The following is an entry in ClinVar:

NM_018669.6(WDR4):c.1189G>T (p.Asp397Tyr)

Gene: WDR4 (WDR4 tRNA N7-guanosine methyltransferase non-catalytic subunit; minus strand). Cytogenetic location: 21q22.3.
Variant type: single nucleotide variant.
Coding change: c.1189G>T on transcript NM_018669.6 (MANE Select); coding-DNA position 1189, G replaced by T.
Protein change: p.Asp397Tyr; replaces aspartic acid 397 with tyrosine.
Molecular consequence: missense variant. On other transcripts: non-coding transcript variant (1).
Genome position (GRCh38, 1-based): chr21:42,850,099, C>A on the plus strand (G>T on the coding strand, the complement: WDR4 is on the minus strand). VCF-style: chr21-42850099-C-A. GRCh37 (hg19) VCF-style: chr21-44270209-C-A.
Other names: c.1186G>T, p.Asp396Tyr (NM_001260474.2); c.751G>T, p.Asp251Tyr (NM_001260475.2, NM_001260476.2, NM_001260477.2 and 1 more transcripts); c.1189G>T, p.Asp397Tyr (NM_033661.5); short protein forms D396Y, D251Y, D397Y.
Identifiers: ClinVar variation 1972137 (VCV001972137.5), dbSNP rs370431009, ClinGen allele CA10045757.

ClinVar aggregate classification (germline): Uncertain significance (1 of 4 stars; one submission).

Allele frequency attached by ClinVar (database versions not stated): ESP Exome Variant Server 0.00008.
gnomAD v4.1: 4 of 1,613,948 alleles (0.00025%); highest among the groups gnomAD compares: Admixed American, 0.0033%; no homozygotes.

Submission:

Labcorp Genetics (formerly Invitae), Labcorp
Classification: Uncertain significance. Last evaluated: 2022-08-02. Review status: criteria provided, single submitter. Criteria: Invitae Variant Classification Sherloc (09022015). Collection method: clinical testing. Allele origin: germline.
Comment: This sequence change replaces aspartic acid, which is acidic and polar, with tyrosine, which is neutral and polar, at codon 397 of the WDR4 protein (p.Asp397Tyr). In summary, the available evidence is currently insufficient to determine the role of this variant in disease. Therefore, it has been classified as a Variant of Uncertain Significance. Algorithms developed to predict the effect of missense changes on protein structure and function (SIFT, PolyPhen-2, Align-GVGD) all suggest that this variant is likely to be tolerated. This variant has not been reported in the literature in individuals affected with WDR4-related conditions. This variant is present in population databases (rs370431009, gnomAD 0.007%).